The following is an entry in ClinVar:

NM_001141917.2(SPATA31F1):c.3178C>T (p.His1060Tyr)

Genes: PHF24 (PHD finger protein 24; plus strand), SPATA31F1 (SPATA31 subfamily F member 1; minus strand). Cytogenetic location: 9p13.3.
Variant type: single nucleotide variant.
Coding change: c.3178C>T on transcript NM_001141917.2 (MANE Select); coding-DNA position 3178, C replaced by T.
Protein change: p.His1060Tyr; replaces histidine 1060 with tyrosine.
Molecular consequence: missense variant.
Genome position (GRCh38, 1-based): chr9:34,724,062, G>A on the plus strand (C>T on the coding strand, the complement: SPATA31F1 is on the minus strand). VCF-style: chr9-34724062-G-A. GRCh37 (hg19) VCF-style: chr9-34724059-G-A.
Other names: short protein forms H1060Y.
Identifiers: ClinVar variation 402843 (VCV000402843.5), dbSNP rs472644, ClinGen allele CA5037238.
Genomic context (GRCh38, chr9:34,724,062, plus strand): 5'-CAGCAGGGCGTCTCTCTTCTCTGGTTGAGGAGCGCCCAAACCCCGCATCCCCTTCTCTGT[G>A]GTCCCTGGCTGCTTTGGTTTCCTCTGGGTCCTCTCTGTTTCCTGCTAGCATGGGGACATG-3'
Protein context (NP_001135389.1, residues 1050-1070): DPEETKAARD[His1060Tyr]REGDAGFGRS

ClinVar aggregate classification (germline): Benign (1 of 4 stars; one submission).

Allele frequency attached by ClinVar (database versions not stated): ExAC 0.26909; TOPMed 0.37258; gnomAD 0.37416 and 0.38494; gnomAD exomes 0.38715 and 0.45948; 1000 Genomes Project 30x 0.38991; 1000 Genomes Project 0.40096.
gnomAD v4.1: 523,982 of 1,166,718 alleles (45%); highest among the groups gnomAD compares: East Asian, 63%; 170,687 homozygotes.

Submission:

Laboratory for Molecular Medicine, Mass General Brigham Personalized Medicine
Classification: Benign. Last evaluated: 2016-03-28. Review status: criteria provided, single submitter. Criteria: LMM Criteria. Collection method: clinical testing. Allele origin: germline.
Comment: Variant identified in a genome or exome case(s) and assessed due to predicted null impact of the variant or pathogenic assertions in the literature or databases. Disclaimer: This variant has not undergone full assessment. The following are preliminary notes: Frequency